The following is an entry in ClinVar:

NM_014915.3(ANKRD26):c.3875A>G (p.Gln1292Arg)

Gene: ANKRD26 (ankyrin repeat domain containing 26; minus strand). Cytogenetic location: 10p12.1.
Variant type: single nucleotide variant.
Coding change: c.3875A>G on transcript NM_014915.3 (MANE Select); coding-DNA position 3875, A replaced by G.
Protein change: p.Gln1292Arg; replaces glutamine 1292 with arginine.
Molecular consequence: missense variant.
Genome position (GRCh38, 1-based): chr10:27,029,289, T>C on the plus strand (A>G on the coding strand, the complement: ANKRD26 is on the minus strand). VCF-style: chr10-27029289-T-C. GRCh37 (hg19) VCF-style: chr10-27318218-T-C.
Other names: c.3872A>G, p.Gln1291Arg (NM_001256053.2); short protein forms Q1292R, Q1291R.
Identifiers: ClinVar variation 3914608 (VCV003914608.1).
Genomic context (GRCh38, chr10:27,029,289, plus strand): 5'-ACTGCTTATTTGCTCTATAAATAATCATGTTTTTCTGTGTGCTGCTTTAAATTTTACTTT[T>C]GCTTGTGATCTTGCATCTTCTCAGCACATCTGACAGCTTCTGTATGTCGATCCTGTGCTT-3'
Protein context (NP_055730.2, residues 1282-1302): RCAEKMQDHK[Gln1292Arg]KLEKDNAKLK

ClinVar aggregate classification (germline): Uncertain significance (1 of 4 stars; one submission).

Conditions:
Inborn genetic diseases. Identifiers: MedGen C0950123, MeSH D030342.

Submission:

Ambry Genetics
Classification: Uncertain significance for Inborn genetic diseases. Last evaluated: 2025-05-19. Review status: criteria provided, single submitter. Criteria: Ambry Variant Classification Scheme 2023. Collection method: clinical testing. Allele origin: germline.
Comment: The p.Q1292R variant (also known as c.3875A>G), located in coding exon 26 of the ANKRD26 gene, results from an A to G substitution at nucleotide position 3875. The glutamine at codon 1292 is replaced by arginine, an amino acid with highly similar properties. This amino acid position is conserved. In addition, this alteration is predicted to be tolerated by in silico analysis. Based on the available evidence, the clinical significance of this variant remains unclear.